The following is an entry in ClinVar:

NM_001364905.1(LRBA):c.3661_3662dup (p.Thr1222fs)

Gene: LRBA (LPS responsive beige-like anchor protein; minus strand). Cytogenetic location: 4q31.3.
Variant type: Microsatellite.
Coding change: c.3661_3662dup on transcript NM_001364905.1 (MANE Select); coding-DNA positions 3661 to 3662, 2 bases duplicated (GA; older notation c.3661_3662dupGA).
Protein change: p.Thr1222fs; shifts the reading frame from threonine 1222.
Molecular consequence: frameshift variant.
Genome position (GRCh38, 1-based): chr4:150,852,048-150,852,049, TC duplicated on the plus strand (GA on the coding strand, the reverse complement: LRBA is on the minus strand); duplicating any 2 consecutive bases within chr4:150,852,048-150,852,052 gives the same sequence; the c. name uses the placement nearest the transcript's 3' end. VCF-style (leftmost placement, unchanged base first): chr4-150852047-T-TTC. GRCh37 (hg19) VCF-style: chr4-151773199-T-TTC.
Other names: c.3662_3663insGA (NM_001364905.1); c.3661_3662dup, p.Thr1222fs (NM_001367550.1); c.3658_3659AG[3], p.Thr1222Lysfs (NM_006726.5, NM_001199282.3); short protein forms T1222fs.
Identifiers: ClinVar variation 3384674 (VCV003384674.2).

ClinVar aggregate classification (germline): Likely pathogenic (0 of 4 stars; one submission).

Conditions:
Combined immunodeficiency due to LRBA deficiency. Also called: Common variable immunodeficiency 8, with autoimmunity. Identifiers: Orphanet 445018, MedGen C3553512, MONDO:0013863, OMIM 614700.

Submission:

National Institute of Immunohaematology, Indian Council of Medical Research
Classification: Likely pathogenic for Combined immunodeficiency due to LRBA deficiency. Review status: no assertion criteria provided. Collection method: research. Allele origin: germline. Inheritance: Autosomal recessive inheritance. Affected: yes. Observed: 1 homozygote.
Comment: The variant T1222Kfs*4 in LRBA has not been reported and is absent from large population studies.

Literature cited by the submitters: PubMed 22608502.